The following is an entry in ClinVar:

NM_021922.3(FANCE):c.1238-1G>C

Gene: FANCE (FA complementation group E; plus strand). Cytogenetic location: 6p21.31.
Variant type: single nucleotide variant.
Coding change: c.1238-1G>C on transcript NM_021922.3 (MANE Select); the canonical splice acceptor site of the intron before coding-DNA position 1238, G replaced by C.
Molecular consequence: splice acceptor variant.
Genome position (GRCh38, 1-based): chr6:35,459,681, G>C. VCF-style: chr6-35459681-G-C. GRCh37 (hg19) VCF-style: chr6-35427458-G-C.
Other names: c.1238-1G>C (NM_001410876.1).
Identifiers: ClinVar variation 1324382 (VCV001324382.8), dbSNP rs1767507722, ClinGen allele CA363776991.

ClinVar aggregate classification (germline): Likely pathogenic. Review status: criteria provided, multiple submitters, no conflicts (2 of 4 stars). 3 submissions from 3 submitters: Likely pathogenic (3). Last evaluated 2024-09-11.

Conditions:
Fanconi anemia complementation group E (FANCE). Also called: FANCE-Related Fanconi Anemia. Identifiers: Orphanet 84, MedGen C3160739, MONDO:0010953, OMIM 600901.

Allele frequency attached by ClinVar (database versions not stated): gnomAD exomes below 0.00001; gnomAD 0.00001.
gnomAD v4.1: 3 of 1,613,962 alleles (0.00019%); highest among the groups gnomAD compares: Non-Finnish European, 0.00025%; no homozygotes.

Submissions (3):

Labcorp Genetics (formerly Invitae), Labcorp
Classification: Likely pathogenic for Fanconi anemia complementation group E. Last evaluated: 2024-09-11. Review status: criteria provided, single submitter. Criteria: Invitae Variant Classification Sherloc (09022015). Collection method: clinical testing. Allele origin: germline.
Comment: This sequence change affects an acceptor splice site in intron 6 of the FANCE gene. It is expected to disrupt RNA splicing. Variants that disrupt the donor or acceptor splice site typically lead to a loss of protein function (PMID: 16199547), and loss-of-function variants in FANCE are known to be pathogenic (PMID: 11001585, 17924555). This variant is not present in population databases (gnomAD no frequency). This variant has not been reported in the literature in individuals affected with FANCE-related conditions. ClinVar contains an entry for this variant (Variation ID: 1324382). Algorithms developed to predict the effect of sequence changes on RNA splicing suggest that this variant may disrupt the consensus splice site. In summary, the currently available evidence indicates that the variant is pathogenic, but additional data are needed to prove that conclusively. Therefore, this variant has been classified as Likely Pathogenic.

Baylor Genetics
Classification: Likely pathogenic for Fanconi anemia complementation group E. Last evaluated: 2022-10-02. Review status: criteria provided, single submitter. Criteria: ACMG Guidelines, 2015. Collection method: clinical testing. Allele origin: unknown.

Revvity Omics, Revvity
Classification: Likely pathogenic for Fanconi anemia complementation group E. Last evaluated: 2019-05-31. Review status: criteria provided, single submitter. Criteria: ACMG Guidelines, 2015. Collection method: clinical testing. Allele origin: germline.

Literature cited by the submitters: PubMed 16199547 (cited by Labcorp Genetics (formerly Invitae), Labcorp); PubMed 11001585 (cited by Labcorp Genetics (formerly Invitae), Labcorp); PubMed 17924555 (cited by Labcorp Genetics (formerly Invitae), Labcorp).